The following is an entry in ClinVar:

ClinVar aggregate classification (germline): Uncertain significance. Review status: criteria provided, multiple submitters, no conflicts (2 of 4 stars). 2 submissions from 2 submitters: Uncertain significance (2). Last evaluated 2026-01-14.

Conditions:
Neuroblastoma, susceptibility to, 3. Also called: ALK-Related Neuroblastic Tumor Susceptibility. Identifiers: Orphanet 635, MedGen C2751681, MONDO:0013083, OMIM 613014.

Submissions (2):

Labcorp Genetics (formerly Invitae), Labcorp
Classification: Uncertain significance for Neuroblastoma, susceptibility to, 3. Last evaluated: 2026-01-14. Review status: criteria provided, single submitter. Criteria: Invitae Variant Classification Sherloc (09022015). Collection method: clinical testing. Allele origin: germline.
Comment: This sequence change replaces isoleucine, which is neutral and non-polar, with phenylalanine, which is neutral and non-polar, at codon 964 of the ALK protein (p.Ile964Phe). This variant is not present in population databases (gnomAD no frequency). This variant has not been reported in the literature in individuals affected with ALK-related conditions. ClinVar contains an entry for this variant (Variation ID: 1442128). An algorithm developed to predict the effect of missense changes on protein structure and function (PolyPhen-2) suggests that this variant is likely to be disruptive. In summary, the available evidence is currently insufficient to determine the role of this variant in disease. Therefore, it has been classified as a Variant of Uncertain Significance.

GeneDx
Classification: Uncertain significance. Last evaluated: 2024-03-08. Review status: criteria provided, single submitter. Criteria: GeneDx Variant Classification Process June 2021. Collection method: clinical testing. Allele origin: germline. Affected: yes.
Comment: Not observed at significant frequency in large population cohorts (gnomAD); In silico analysis supports that this missense variant does not alter protein structure/function; Has not been previously published as pathogenic or benign to our knowledge

NM_004304.5(ALK):c.2890A>T (p.Ile964Phe)

Gene: ALK (ALK receptor tyrosine kinase; minus strand). Cytogenetic location: 2p23.2.
Variant type: single nucleotide variant.
Coding change: c.2890A>T on transcript NM_004304.5 (MANE Select); coding-DNA position 2890, A replaced by T.
Protein change: p.Ile964Phe; replaces isoleucine 964 with phenylalanine.
Molecular consequence: missense variant.
Genome position (GRCh38, 1-based): chr2:29,227,598, T>A on the plus strand (A>T on the coding strand, the complement: ALK is on the minus strand). VCF-style: chr2-29227598-T-A. GRCh37 (hg19) VCF-style: chr2-29450464-T-A.
Other names: c.2890A>T (NM_004304.4); short protein forms I964F.
Identifiers: ClinVar variation 1442128 (VCV001442128.9), dbSNP rs2148179307, ClinGen allele CA346468372.